The following is an entry in ClinVar:

NC_000008.10:g.(?_100568668)_(100568891_?)del

Gene: VPS13B (vacuolar protein sorting 13 homolog B; plus strand). Cytogenetic location: 8q22.2.
Variant type: Deletion.
Identifiers: ClinVar variation 1074670 (VCV001074670.6).

ClinVar aggregate classification (germline): Pathogenic (1 of 4 stars; one submission).

Conditions:
Cohen syndrome (COH1). Also called: PEPPER SYNDROME; Cutis verticis gyrata, retinitis pigmentosa, and sensorineural deafness. Identifiers: Orphanet 193, MedGen C0265223, MONDO:0008999, OMIM 216550.

Submission:

Labcorp Genetics (formerly Invitae), Labcorp
Classification: Pathogenic for Cohen syndrome. Last evaluated: 2021-08-04. Review status: criteria provided, single submitter. Criteria: Invitae Variant Classification Sherloc (09022015). Collection method: clinical testing. Allele origin: germline.
Comment: This variant is a gross deletion of the genomic region encompassing exon(s) 31 of the VPS13B gene. This deletion is out-of-frame, and is expected to create a premature translational stop signal and result in an absent or disrupted protein product. Loss-of-function variants in VPS13B are known to be pathogenic (PMID: 15141358, 16648375, 20461111). A similar copy number variant has been observed in individual(s) with Cohen syndrome (PMID: 22382802). For these reasons, this variant has been classified as Pathogenic.

Literature cited by the submitters: PubMed 15141358; PubMed 16648375; PubMed 20461111; PubMed 22382802.